The following is an entry in ClinVar:

NM_001184.4(ATR):c.5380G>A (p.Asp1794Asn)

Gene: ATR (ATR checkpoint kinase; minus strand). Cytogenetic location: 3q23.
Variant type: single nucleotide variant.
Coding change: c.5380G>A on transcript NM_001184.4 (MANE Select); coding-DNA position 5380, G replaced by A.
Protein change: p.Asp1794Asn; replaces aspartic acid 1794 with asparagine.
Molecular consequence: missense variant.
Genome position (GRCh38, 1-based): chr3:142,499,627, C>T on the plus strand (G>A on the coding strand, the complement: ATR is on the minus strand). VCF-style: chr3-142499627-C-T. GRCh37 (hg19) VCF-style: chr3-142218469-C-T.
Other names: c.5188G>A, p.Asp1730Asn (NM_001354579.2); short protein forms D1730N, D1794N.
Identifiers: ClinVar variation 2871307 (VCV002871307.3), dbSNP rs2473169525, ClinGen allele CA354816652.

ClinVar aggregate classification (germline): Uncertain significance (1 of 4 stars; one submission).

Allele frequency attached by ClinVar (database versions not stated): gnomAD exomes 0.00001.

Submission:

Labcorp Genetics (formerly Invitae), Labcorp
Classification: Uncertain significance. Last evaluated: 2023-04-26. Review status: criteria provided, single submitter. Criteria: Invitae Variant Classification Sherloc (09022015). Collection method: clinical testing. Allele origin: germline.
Comment: In summary, the available evidence is currently insufficient to determine the role of this variant in disease. Therefore, it has been classified as a Variant of Uncertain Significance. Variants that disrupt the consensus splice site are a relatively common cause of aberrant splicing (PMID: 17576681, 9536098). Algorithms developed to predict the effect of sequence changes on RNA splicing suggest that this variant may disrupt the consensus splice site. An algorithm developed to predict the effect of missense changes on protein structure and function (PolyPhen-2) suggests that this variant is likely to be disruptive. This variant has not been reported in the literature in individuals affected with ATR-related conditions. This variant is not present in population databases (gnomAD no frequency). This sequence change replaces aspartic acid, which is acidic and polar, with asparagine, which is neutral and polar, at codon 1794 of the ATR protein (p.Asp1794Asn). This variant also falls at the last nucleotide of exon 31, which is part of the consensus splice site for this exon.

Literature cited by the submitters: PubMed 17576681; PubMed 9536098.